The following is an entry in ClinVar:

ClinVar aggregate classification (germline): Uncertain significance. Review status: criteria provided, multiple submitters, no conflicts (2 of 4 stars). 2 submissions from 2 submitters: Uncertain significance (2). Last evaluated 2024-11-13.

Conditions:
Wiedemann-Steiner syndrome (WDSTS). Also called: Growth deficiency and mental retardation with facial dysmorphism. Identifiers: Orphanet 319182, MedGen C1854630, MONDO:0011518, OMIM 605130.

Allele frequency attached by ClinVar (database versions not stated): gnomAD 0.00001; TOPMed 0.00003.
gnomAD v4.1: 2 of 1,613,686 alleles (0.00012%); highest among the groups gnomAD compares: African/African-American, 0.0027%; no homozygotes.

Submissions (2):

Labcorp Genetics (formerly Invitae), Labcorp
Classification: Uncertain significance. Last evaluated: 2024-11-13. Review status: criteria provided, single submitter. Criteria: Invitae Variant Classification Sherloc (09022015). Collection method: clinical testing. Allele origin: germline.
Comment: This sequence change replaces valine, which is neutral and non-polar, with methionine, which is neutral and non-polar, at codon 1726 of the KMT2A protein (p.Val1726Met). This variant is present in population databases (no rsID available, gnomAD 0.01%). This variant has not been reported in the literature in individuals affected with KMT2A-related conditions. ClinVar contains an entry for this variant (Variation ID: 1031919). An algorithm developed to predict the effect of missense changes on protein structure and function (PolyPhen-2) suggests that this variant is likely to be disruptive. In summary, the available evidence is currently insufficient to determine the role of this variant in disease. Therefore, it has been classified as a Variant of Uncertain Significance.

Baylor Genetics
Classification: Uncertain significance for Wiedemann-Steiner syndrome. Last evaluated: 2018-08-16. Review status: criteria provided, single submitter. Criteria: ACMG Guidelines, 2015. Collection method: clinical testing. Allele origin: unknown. Affected: yes.
Comment: This variant was determined to be of uncertain significance according to ACMG Guidelines, 2015 [PMID:25741868].

NM_001197104.2(KMT2A):c.5176G>A (p.Val1726Met)

Gene: KMT2A (lysine methyltransferase 2A; plus strand). Cytogenetic location: 11q23.3.
Variant type: single nucleotide variant.
Coding change: c.5176G>A on transcript NM_001197104.2 (MANE Select); coding-DNA position 5176, G replaced by A.
Protein change: p.Val1726Met; replaces valine 1726 with methionine.
Molecular consequence: missense variant.
Genome position (GRCh38, 1-based): chr11:118,493,228, G>A. VCF-style: chr11-118493228-G-A. GRCh37 (hg19) VCF-style: chr11-118363943-G-A.
Other names: c.5167G>A, p.Val1723Met (NM_005933.4); short protein forms V1723M, V1726M.
Identifiers: ClinVar variation 1031919 (VCV001031919.5), dbSNP rs1185271064, ClinGen allele CA382837296.
Genomic context (GRCh38, chr11:118,493,228, plus strand): 5'-CAGCAGCCTTTAGATCTAGAAGGAGTCAAGAGGAAGATGGACCAAGGGAATTACACATCT[G>A]TGGTATGTTTCTACAGTGAGCCATCAGAATTTCTAGTGCCAATAAAGCTTCTTTGGACCT-3'
Protein context (NP_001184033.1, residues 1716-1736): RKMDQGNYTS[Val1726Met]LEFSDDIVKI